The following is an entry in ClinVar:

ClinVar aggregate classification (germline): Likely pathogenic. Review status: reviewed by expert panel (3 of 4 stars). 16 submissions from 16 submitters: Likely pathogenic (1). 15 of the submissions do not count toward it. Last evaluated 2022-09-22.

Conditions:
Acute rhabdomyolysis. Identifiers: MedGen C3807306, HP:0008942.
ACADVL-related disorder. Also called: ACADVL-related condition.
Very long chain acyl-CoA dehydrogenase deficiency (ACADVLD). Also called: VLCAD Deficiency; Very Long-Chain Acyl-Coenzyme A Dehydrogenase Deficiency. Identifiers: Orphanet 26793, MedGen C3887523, MONDO:0008723, OMIM 201475.

Allele frequency attached by ClinVar (database versions not stated): gnomAD 0.00003; TOPMed 0.00003; 1000 Genomes Project 30x 0.00016; 1000 Genomes Project 0.00020.
gnomAD v4.1: 91 of 1,613,862 alleles (0.0056%); highest among the groups gnomAD compares: South Asian, 0.018%; no homozygotes.

Submissions 1 to 8 of 16:

ClinGen ACADVL Variant Curation Expert Panel, ClinGen
Classification: Likely pathogenic for Very long chain acyl-CoA dehydrogenase deficiency. Last evaluated: 2022-09-22. Review status: reviewed by expert panel. Criteria: clingen acadvl acmg specifications v1. Collection method: curation. Allele origin: germline. Inheritance: Autosomal recessive inheritance.
Comment: The c.1097G>A (p.Arg366His) variant in ACADVL has been reported in the literature in patients with VLCADD or increased C14:1 acylcarnitine levels (PP4; PMID: 9973285, 20060901, 27246109, 24263034, 32558070). The variant has been detected as homozygote (PMID:24263034), or compound heterozygote with truncating/pathogenic variants, however without phase confirmation (PMID: 32558070, 27246109, 20060901, PM3). The highest population minor allele frequency in gnomAD is 0.0001 in the South Asian population, which is lower than the ClinGen ACADVL Variant Curation Expert Panel threshold (<0.001) meeting this criterion (PM2_Supporting). This variant resides within a region defined as a mutational hotspot by the ClinGen ACADVL Variant Curation Expert Panel (PMID: 9973285, 20060901, PM1). The computational predictor REVEL gives a score of 0.98, which is above the threshold of 0.75, evidence that correlates with impact to ACADVL function (PP3). The ACADVL Variant Curation Expert Panel VCEP classified the variant as likely pathogenic based on (PP4, PM1, PM3, PM2_Supporting, PP3).

Labcorp Genetics (formerly Invitae), Labcorp
Classification: Pathogenic for Very long chain acyl-CoA dehydrogenase deficiency. Last evaluated: 2026-01-04. Review status: criteria provided, single submitter. Criteria: Invitae Variant Classification Sherloc (09022015). Collection method: clinical testing. Allele origin: germline. Not counted in ClinVar's aggregate classification.
Comment: This sequence change replaces arginine, which is basic and polar, with histidine, which is basic and polar, at codon 366 of the ACADVL protein (p.Arg366His). This variant is present in population databases (rs112406105, gnomAD 0.01%). This missense change has been observed in individual(s) with very long chain acyl-CoA dehydrogenase (VLCAD) deficiency (PMID: 20060901, 24263034, 27246109). This variant is also known as p.Arg326His. ClinVar contains an entry for this variant (Variation ID: 203580). Invitae Evidence Modeling of protein sequence and biophysical properties (such as structural, functional, and spatial information, amino acid conservation, physicochemical variation, residue mobility, and thermodynamic stability) indicates that this missense variant is expected to disrupt ACADVL protein function with a positive predictive value of 80%. This variant disrupts the p.Arg366 amino acid residue in ACADVL. Other variant(s) that disrupt this residue have been determined to be pathogenic (PMID: 8845838, 9973285, 21932095; internal data). This suggests that this residue is clinically significant, and that variants that disrupt this residue are likely to be disease-causing. For these reasons, this variant has been classified as Pathogenic.

NHS Central & South Genomic Laboratory Hub
Classification: Likely pathogenic for Acute Rhabdomyolysis. Last evaluated: 2025-10-21. Review status: criteria provided, single submitter. Criteria: ACMG Guidelines, 2015. Collection method: clinical testing. Allele origin: germline. Affected: yes. Not counted in ClinVar's aggregate classification.

Natera, Inc.
Classification: Pathogenic for Very long chain acyl-CoA dehydrogenase deficiency. Last evaluated: 2025-08-30. Review status: criteria provided, single submitter. Criteria: Natera Variant Classification Schema (03/2026). Collection method: clinical testing. Allele origin: germline. Not counted in ClinVar's aggregate classification.
Comment: The c.1097G>A variant in ACADVL is a missense variant predicted to cause substitution of arginine to histidine at amino acid 366. This variant is rare in the general population with a frequency below the threshold expected for the associated phenotype(s). This variant has been observed in one or more individuals affected with the associated recessive disease, as either homozygous or compound heterozygous with a second variant (PMID: 32558070, 17999356, 27246109, 24263034). A different variant at the same position has been determined to be Pathogenic or Likely Pathogenic. Computational prediction algorithms indicate this variant is likely to affect gene or protein function. Given the available evidence, this variant is classified as Pathogenic.

Women's Health and Genetics/Laboratory Corporation of America, LabCorp
Classification: Pathogenic for Very long chain acyl-CoA dehydrogenase deficiency. Last evaluated: 2025-07-28. Review status: criteria provided, single submitter. Criteria: LabCorp Variant Classification Summary - May 2015. Collection method: clinical testing. Allele origin: germline. Not counted in ClinVar's aggregate classification.
Comment: Variant summary: ACADVL c.1097G>A (p.Arg366His) results in a non-conservative amino acid change in the encoded protein sequence. Algorithms developed to predict the effect of missense changes on protein structure and function all suggest that this variant is likely to be disruptive. The variant allele was found at a frequency of 2.8e-05 in 251484 control chromosomes. c.1097G>A has been observed in individual(s) affected with Very Long Chain Acyl-CoA Dehydrogenase Deficiency (examples: Gobin-Limballe_2010, Antunes_2013, Fatehi_2020). These data indicate that the variant is likely to be associated with disease. A different variant affecting the same codon has been classified as likely pathogenic by our lab (c.1096C>T, p.Arg366Cys), supporting the critical relevance of codon 366 to ACADVL protein function. To our knowledge, no experimental evidence demonstrating an impact on protein function has been reported. The following publications have been ascertained in the context of this evaluation (PMID: 20060901, 24263034, 32558070). ClinVar contains an entry for this variant (Variation ID: 203580). Based on the evidence outlined above, the variant was classified as pathogenic.

PreventionGenetics, part of Exact Sciences
Classification: Likely pathogenic for ACADVL-related condition. Last evaluated: 2024-12-30. Review status: criteria provided, single submitter. Criteria: ACMG Guidelines, 2015. Collection method: clinical testing. Allele origin: germline. Not counted in ClinVar's aggregate classification.
Comment: The ACADVL c.1097G>A variant is predicted to result in the amino acid substitution p.Arg366His. This variant has been reported in patients with very long chain acyl-CoA dehydrogenase deficiency (VLCAD) in the homozygous and compound heterozygous states (Andresen et al. 1999. PubMed ID: 9973285, reported as R326H; Gobin-Limballe et al. 2010. PubMed ID: 20060901; Evans et al. 2016. PubMed ID: 27246109; Fatehi et al. 2020. PubMed ID: 32558070; Merinero et al. 2018. PubMed ID: 28755359; Brown et al. 2014. PubMed ID: 25456746; Boneh et al. 2006. PubMed ID: 16488171). VLCAD protein level was reported to be reduced in patient cells carrying the p.Arg366His change (Andresen et al. 1999. PubMed ID: 9973285) and enzyme activity was markedly reduced in patient cells carrying the p.Arg366His change along with a protein truncating variant (Gobin-Limballe et al. 2010. PubMed ID: 20060901). The p.Arg366His variant has been predicted to disrupt salt bridges that are important for both monomer-monomer interactions within the VLCAD enzyme, as well as disrupt FAD binding (Gobin-Limballe et al. 2010. PubMed ID: 20060901). This variant is in a region defined as a hotspot for disease-causing variants (Andresen et al. 1999. PubMed ID: 9973285; ClinGen ACADVL Variant Curation Expert Panel). An alternate nucleotide change affecting the same amino acid (p.Arg366Cys) has been reported in individuals affected with very long chain acyl-CoA dehydrogenase deficiency (Anderson et al., 1996. PubMed ID: 8845838; Andresen et al., 1999. PubMed ID: 9973285; Hoffmann, 2012. PubMed ID: 21932095). This variant is interpreted as likely pathogenic.

Blueprint Genetics
Classification: Pathogenic for ACADVL-related disorders. Last evaluated: 2024-10-11. Review status: criteria provided, single submitter. Criteria: ACMG Guidelines, 2015. Collection method: clinical testing. Allele origin: germline. Affected: yes. Observed: 2 variant alleles. Not counted in ClinVar's aggregate classification.

Baylor Genetics
Classification: Pathogenic for Very long chain acyl-CoA dehydrogenase deficiency. Last evaluated: 2024-03-30. Review status: criteria provided, single submitter. Criteria: ACMG Guidelines, 2015. Collection method: clinical testing. Allele origin: unknown. Not counted in ClinVar's aggregate classification.

NM_000018.4(ACADVL):c.1097G>A (p.Arg366His)

Gene: ACADVL (acyl-CoA dehydrogenase very long chain; plus strand). Cytogenetic location: 17p13.1.
Variant type: single nucleotide variant.
Coding change: c.1097G>A on transcript NM_000018.4 (MANE Select); coding-DNA position 1097, G replaced by A.
Protein change: p.Arg366His; replaces arginine 366 with histidine.
Molecular consequence: missense variant.
Genome position (GRCh38, 1-based): chr17:7,223,152, G>A. VCF-style: chr17-7223152-G-A. GRCh37 (hg19) VCF-style: chr17-7126471-G-A.
Other names: p.R366H:CGT>CAT; NM_000018.4(ACADVL):c.1097G>A; c.1031G>A, p.Arg344His (NM_001033859.3); c.1166G>A, p.Arg389His (NM_001270447.2); c.869G>A, p.Arg290His (NM_001270448.2); short protein forms R366H, R290H, R344H, R389H.
Identifiers: ClinVar variation 203580 (VCV000203580.41), dbSNP rs112406105, ClinGen allele CA312265.